The following is an entry in ClinVar:

NM_001286577.2(C2CD3):c.946C>G (p.Leu316Val)

Genes: C2CD3 (C2 domain containing 3 centriole elongation regulator; minus strand), LOC121392929 (Sharpr-MPRA regulatory region 9619; plus strand). Cytogenetic location: 11q13.4.
Variant type: single nucleotide variant.
Coding change: c.946C>G on transcript NM_001286577.2 (MANE Select); coding-DNA position 946, C replaced by G.
Protein change: p.Leu316Val; replaces leucine 316 with valine.
Molecular consequence: missense variant.
Genome position (GRCh38, 1-based): chr11:74,138,729, G>C on the plus strand (C>G on the coding strand, the complement: C2CD3 is on the minus strand). VCF-style: chr11-74138729-G-C. GRCh37 (hg19) VCF-style: chr11-73849774-G-C.
Other names: c.946C>G, p.Leu316Val (NM_015531.6); c.946C>G (NM_015531.4, NM_015531.5); short protein forms L316V.
Identifiers: ClinVar variation 1557303 (VCV001557303.13), dbSNP rs569820702, ClinGen allele CA6183103.

ClinVar aggregate classification (germline): Benign/Likely benign. Review status: criteria provided, multiple submitters, no conflicts (2 of 4 stars). 3 submissions from 3 submitters: Benign (1); Likely benign (1). 1 of the submissions does not count toward it. Last evaluated 2025-07-06.

Conditions:
C2CD3-related disorder. Also called: C2CD3-related condition.
Inborn genetic diseases. Identifiers: MedGen C0950123, MeSH D030342.

Allele frequency attached by ClinVar (database versions not stated): TOPMed 0.00003; gnomAD 0.00013; gnomAD exomes 0.00021 and 0.00048; ExAC 0.00054; 1000 Genomes Project 30x 0.00078; 1000 Genomes Project 0.00080.
gnomAD v4.1: 328 of 1,612,410 alleles (0.02%); highest among the groups gnomAD compares: South Asian, 0.34%; 7 homozygotes.

Submissions (3):

Labcorp Genetics (formerly Invitae), Labcorp
Classification: Benign. Last evaluated: 2025-07-06. Review status: criteria provided, single submitter. Criteria: Invitae Variant Classification Sherloc (09022015). Collection method: clinical testing. Allele origin: germline.

Ambry Genetics
Classification: Likely benign for Inborn genetic diseases. Last evaluated: 2023-05-17. Review status: criteria provided, single submitter. Criteria: Ambry Variant Classification Scheme 2023. Collection method: clinical testing. Allele origin: germline.

PreventionGenetics, part of Exact Sciences
Classification: Likely benign for C2CD3-related condition. Last evaluated: 2024-09-16. Review status: no assertion criteria provided. Collection method: clinical testing. Allele origin: germline. Not counted in ClinVar's aggregate classification.
Comment: This variant is classified as likely benign based on ACMG/AMP sequence variant interpretation guidelines (Richards et al. 2015 PMID: 25741868, with internal and published modifications).